The following is an entry in ClinVar:

NM_000392.5(ABCC2):c.1998dup (p.Val667fs)

Gene: ABCC2 (ATP binding cassette subfamily C member 2; plus strand). Cytogenetic location: 10q24.2.
Variant type: Duplication.
Coding change: c.1998dup on transcript NM_000392.5 (MANE Select); coding-DNA position 1998, one base duplicated (T; older notation c.1998dupT).
Protein change: p.Val667fs; shifts the reading frame from valine 667.
Molecular consequence: frameshift variant.
Genome position (GRCh38, 1-based): chr10:99,813,048, T duplicated; the last of 2 consecutive T bases (chr10:99,813,047-99,813,048); duplicating either gives the same sequence. VCF-style (leftmost placement, unchanged base first): chr10-99813046-C-CT. GRCh37 (hg19) VCF-style: chr10-101572803-C-CT.
Other names: short protein forms V667fs.
Identifiers: ClinVar variation 2585533 (VCV002585533.4), dbSNP rs2038244158, ClinGen allele CA1931494190.

ClinVar aggregate classification (germline): Pathogenic/Likely pathogenic. Review status: criteria provided, multiple submitters, no conflicts (2 of 4 stars). 2 submissions from 2 submitters: Pathogenic (1); Likely pathogenic (1). Last evaluated 2023-03-22.

Conditions:
Dubin-Johnson syndrome (DJS). Also called: HYPERBILIRUBINEMIA, DUBIN-JOHNSON TYPE; Jaundice, Chronic Idiopathic; Hyperbilirubinemia type 2. Identifiers: Orphanet 234, MedGen C0022350, MONDO:0009380, OMIM 237500.

Submissions (2):

Labcorp Genetics (formerly Invitae), Labcorp
Classification: Pathogenic. Last evaluated: 2023-03-22. Review status: criteria provided, single submitter. Criteria: Invitae Variant Classification Sherloc (09022015). Collection method: clinical testing. Allele origin: germline.
Comment: For these reasons, this variant has been classified as Pathogenic. This variant has not been reported in the literature in individuals affected with ABCC2-related conditions. This variant is not present in population databases (gnomAD no frequency). This sequence change creates a premature translational stop signal (p.Val667Cysfs*60) in the ABCC2 gene. It is expected to result in an absent or disrupted protein product. Loss-of-function variants in ABCC2 are known to be pathogenic (PMID: 9185779, 16549534, 16952291).

Neuberg Centre For Genomic Medicine, NCGM
Classification: Likely pathogenic for Dubin-Johnson syndrome. Review status: criteria provided, single submitter. Criteria: ACMG Guidelines, 2015. Collection method: clinical testing. Allele origin: germline. Inheritance: Autosomal recessive inheritance. Affected: yes.
Comment: The frame shift (c.1998dup) variant has not been reported previously as a pathogenic variant nor as a benign variant, to our knowledge. The p.Val667CysfsTer60 variant is novel (not in any individuals) in gnomAD Exomes and 1000 Genomes. This variant causes a frameshift starting with codon Valine 667, changes this amino acid to Cysteine residue, and creates a premature Stop codon at position 60 of the new reading frame, denoted p.Val667CysfsTer60. This variant is predicted to cause loss of normal protein function through protein truncation. Loss of function variants have been previously reported to be disease causing. For these reasons, this variant has been classified as Likely Pathogenic.

Literature cited by the submitters: PubMed 9185779 (cited by Labcorp Genetics (formerly Invitae), Labcorp); PubMed 16549534 (cited by Labcorp Genetics (formerly Invitae), Labcorp); PubMed 16952291 (cited by Labcorp Genetics (formerly Invitae), Labcorp).